The following is an entry in ClinVar:

NM_006904.7(PRKDC):c.9443A>G (p.Gln3148Arg)

Gene: PRKDC (protein kinase, DNA-activated, catalytic subunit; minus strand). Cytogenetic location: 8q11.21.
Variant type: single nucleotide variant.
Coding change: c.9443A>G on transcript NM_006904.7 (MANE Select); coding-DNA position 9443, A replaced by G.
Protein change: p.Gln3148Arg; replaces glutamine 3148 with arginine.
Molecular consequence: missense variant.
Genome position (GRCh38, 1-based): chr8:47,819,404, T>C on the plus strand (A>G on the coding strand, the complement: PRKDC is on the minus strand). VCF-style: chr8-47819404-T-C. GRCh37 (hg19) VCF-style: chr8-48731965-T-C.
Other names: c.9443A>G, p.Gln3148Arg (NM_001081640.2); short protein forms Q3148R.
Identifiers: ClinVar variation 2999356 (VCV002999356.3), dbSNP rs747157878, ClinGen allele CA4739586.

ClinVar aggregate classification (germline): Uncertain significance (1 of 4 stars; one submission).

Conditions:
Severe combined immunodeficiency due to DNA-PKcs deficiency. Also called: IMMUNODEFICIENCY 26 WITH NEUROLOGIC ABNORMALITIES; Immunodeficiency 26 with or without neurologic abnormalities. Identifiers: Orphanet 317425, MedGen C4014833, MONDO:0014423, OMIM 615966.

Allele frequency attached by ClinVar (database versions not stated): gnomAD exomes below 0.00001; TOPMed below 0.00001; ExAC 0.00001.
gnomAD v4.1: 1 of 1,515,698 alleles (0.000066%); highest among the groups gnomAD compares: Admixed American, 0.0024%; no homozygotes.

Submission:

Labcorp Genetics (formerly Invitae), Labcorp
Classification: Uncertain significance for Severe combined immunodeficiency due to DNA-PKcs deficiency. Last evaluated: 2023-11-25. Review status: criteria provided, single submitter. Criteria: Invitae Variant Classification Sherloc (09022015). Collection method: clinical testing. Allele origin: germline.
Comment: This sequence change replaces glutamine, which is neutral and polar, with arginine, which is basic and polar, at codon 3148 of the PRKDC protein (p.Gln3148Arg). This variant is present in population databases (rs747157878, gnomAD 0.006%). This variant has not been reported in the literature in individuals affected with PRKDC-related conditions. Experimental studies and prediction algorithms are not available or were not evaluated, and the functional significance of this variant is currently unknown. In summary, the available evidence is currently insufficient to determine the role of this variant in disease. Therefore, it has been classified as a Variant of Uncertain Significance.